The following is an entry in ClinVar:

NM_000368.5(TSC1):c.3428C>T (p.Pro1143Leu)

Gene: TSC1 (TSC complex subunit 1; minus strand). Cytogenetic location: 9q34.13.
Variant type: single nucleotide variant.
Coding change: c.3428C>T on transcript NM_000368.5 (MANE Select); coding-DNA position 3428, C replaced by T.
Protein change: p.Pro1143Leu; replaces proline 1143 with leucine.
Molecular consequence: missense variant.
Genome position (GRCh38, 1-based): chr9:132,896,302, G>A on the plus strand (C>T on the coding strand, the complement: TSC1 is on the minus strand). VCF-style: chr9-132896302-G-A. GRCh37 (hg19) VCF-style: chr9-135771689-G-A.
Other names: c.3425C>T, p.Pro1142Leu (NM_001162426.2); c.3275C>T, p.Pro1092Leu (NM_001162427.2); c.3065C>T, p.Pro1022Leu (NM_001362177.2); short protein forms P1143L, P1092L, P1022L, P1142L.
Identifiers: ClinVar variation 41698 (VCV000041698.29), dbSNP rs201867031, ClinGen allele CA007363.

ClinVar aggregate classification (germline): Conflicting classifications of pathogenicity. Review status: criteria provided, conflicting classifications (1 of 4 stars). 10 submissions from 9 submitters: Uncertain significance (2); Benign (1); Likely benign (6). 1 of the submissions does not count toward it. Last evaluated 2026-01-28.

Conditions:
Hereditary cancer-predisposing syndrome. Also called: Tumor predisposition; Neoplastic Syndromes, Hereditary; Hereditary neoplastic syndrome; Hereditary Cancer Syndrome. Identifiers: Orphanet 140162, MedGen C0027672, MeSH D009386, MONDO:0015356.
Tuberous sclerosis syndrome (TSC). Also called: Tuberous Sclerosis Complex; Tuberous sclerosis. Identifiers: Orphanet 805, MedGen C0041341, MONDO:0001734.
Isolated focal cortical dysplasia type II (FCORD2). Also called: Focal cortical dysplasia type II; CORTICAL DYSPLASIA OF TAYLOR. Identifiers: Orphanet 268994, MedGen C1846385, MONDO:0011818, OMIM 607341, HP:0032051.
Tuberous sclerosis 1 (TSC1). Identifiers: Orphanet 805, MedGen C1854465, MONDO:0008612, OMIM 191100.

Allele frequency attached by ClinVar (database versions not stated): ExAC 0.00002; TOPMed 0.00002; gnomAD 0.00003; gnomAD exomes 0.00003.
gnomAD v4.1: 43 of 1,614,044 alleles (0.0027%); highest among the groups gnomAD compares: East Asian, 0.016%; no homozygotes.

Submissions (10):

Labcorp Genetics (formerly Invitae), Labcorp
Classification: Benign for Tuberous sclerosis 1. Last evaluated: 2026-01-28. Review status: criteria provided, single submitter. Criteria: Invitae Variant Classification Sherloc (09022015). Collection method: clinical testing. Allele origin: germline.

Quest Diagnostics Nichols Institute San Juan Capistrano
Classification: Uncertain significance. Last evaluated: 2025-05-18. Review status: criteria provided, single submitter. Criteria: Quest Diagnostics criteria. Collection method: clinical testing. Allele origin: unknown.

Myriad Genetics, Inc.
Classification: Likely benign for Tuberous sclerosis 1. Last evaluated: 2024-08-15. Review status: criteria provided, single submitter. Criteria: Myriad Autosomal Dominant, Autosomal Recessive and X-Linked Classification Criteria (2023). Collection method: clinical testing. Allele origin: unknown.
Comment: This variant is considered likely benign. This variant has been observed at a population frequency that is significantly greater than expected given the associated disease prevalence and penetrance.

Color Diagnostics, LLC DBA Color Health
Classification: Likely benign for Tuberous sclerosis syndrome. Last evaluated: 2022-03-14. Review status: criteria provided, single submitter. Criteria: ACMG Guidelines, 2015. Collection method: clinical testing. Allele origin: germline.

Ambry Genetics
Classification: Likely benign for Hereditary cancer-predisposing syndrome. Last evaluated: 2022-01-07. Review status: criteria provided, single submitter. Criteria: Ambry Variant Classification Scheme 2023. Collection method: clinical testing. Allele origin: germline.

Genome-Nilou Lab
Classification: Likely benign for Tuberous sclerosis 1. Last evaluated: 2021-11-07. Review status: criteria provided, single submitter. Criteria: ACMG Guidelines, 2015. Collection method: clinical testing. Allele origin: germline. Affected: no.

GeneDx
Classification: Likely benign. Last evaluated: 2021-02-26. Review status: criteria provided, single submitter. Criteria: GeneDx Variant Classification Process June 2021. Collection method: clinical testing. Allele origin: germline. Affected: yes.
Comment: This variant is associated with the following publications: (PMID: 30764584, 27023146, 22703879, 31875159)

Illumina Laboratory Services, Illumina
Classification: Likely benign for Isolated focal cortical dysplasia type II. Last evaluated: 2018-01-13. Review status: criteria provided, single submitter. Criteria: ICSL Variant Classification Criteria 13 December 2019. Collection method: clinical testing. Allele origin: germline.
Comment: This variant was observed in the ICSL laboratory as part of a predisposition screen in an ostensibly healthy population. It had not been previously curated by ICSL or reported in the Human Gene Mutation Database (HGMD: prior to June 1st, 2018), and was therefore a candidate for classification through an automated scoring system. Utilizing variant allele frequency, disease prevalence and penetrance estimates, and inheritance mode, an automated score was calculated to assess if this variant is too frequent to cause the disease. Based on the score and internal cut-off values, a variant classified as likely benign is not then subjected to further curation. The score for this variant resulted in a classification of likely benign for this disease.

Illumina Laboratory Services, Illumina
Classification: Uncertain significance for Tuberous sclerosis 1. Last evaluated: 2018-01-13. Review status: criteria provided, single submitter. Criteria: ICSL Variant Classification Criteria 13 December 2019. Collection method: clinical testing. Allele origin: germline.

Biesecker Lab/Clinical Genomics Section, National Institutes of Health
Classification: Uncertain significance. Last evaluated: 2012-07-13. Review status: no assertion criteria provided. Collection method: research. Allele origin: germline. Affected: no. Observed: 1 variant allele. Study: ClinSeq. Not counted in ClinVar's aggregate classification.
ClinVar note: Converted during submission from variant of unknown significance to Uncertain significance.